The following is an entry in ClinVar:

ClinVar aggregate classification (germline): Uncertain significance (1 of 4 stars; one submission).

Allele frequency attached by ClinVar (database versions not stated): gnomAD exomes 0.00001.
gnomAD v4.1: 8 of 1,192,294 alleles (0.00067%); highest among the groups gnomAD compares: Non-Finnish European, 0.00091%; no homozygotes.

Submission:

CeGaT Center for Human Genetics Tuebingen
Classification: Uncertain significance. Last evaluated: 2024-03-01. Review status: criteria provided, single submitter. Criteria: CeGaT Center For Human Genetics Tuebingen Variant Classification Criteria Version 2. Collection method: clinical testing. Allele origin: germline. Affected: yes. Observed: 1 variant allele.
Comment: SLC9A7: PM2

NM_001257291.2(SLC9A7):c.1837A>T (p.Ile613Phe)

Gene: SLC9A7 (solute carrier family 9 member A7; minus strand). Cytogenetic location: Xp11.3.
Variant type: single nucleotide variant.
Coding change: c.1837A>T on transcript NM_001257291.2 (MANE Select); coding-DNA position 1837, A replaced by T.
Protein change: p.Ile613Phe; replaces isoleucine 613 with phenylalanine.
Molecular consequence: missense variant.
Genome position (GRCh38, 1-based): chrX:46,613,381, T>A on the plus strand (A>T on the coding strand, the complement: SLC9A7 is on the minus strand). VCF-style: chrX-46613381-T-A. GRCh37 (hg19) VCF-style: chrX-46472816-T-A.
Other names: c.1834A>T, p.Ile612Phe (NM_032591.3); short protein forms I612F, I613F.
Identifiers: ClinVar variation 3234531 (VCV003234531.20), dbSNP rs2519354797, ClinGen allele CA413033520.